The following is an entry in ClinVar:

ClinVar aggregate classification (germline): Pathogenic. Review status: criteria provided, multiple submitters, no conflicts (2 of 4 stars). 12 submissions from 12 submitters: Pathogenic (11). 1 of the submissions does not count toward it. Last evaluated 2025-07-11.
ClinVar aggregate classification (somatic clinical impact): Tier I - Strong (1 of 4 stars; one submission).

Conditions:
TSC2-related disorder. Also called: TSC2-related condition; TSC2-Related Disorders.
Lymphangiomyomatosis (LAM). Also called: Lymphangioleiomyomatosis; Lymphangioleiomyomatosis, somatic. Identifiers: Orphanet 538, MedGen C0751674, MONDO:0011705, OMIM 606690.
Isolated focal cortical dysplasia type II (FCORD2). Also called: CORTICAL DYSPLASIA OF TAYLOR; Focal cortical dysplasia type II. Identifiers: Orphanet 268994, MedGen C1846385, MONDO:0011818, OMIM 607341, HP:0032051.
Tuberous sclerosis 2 (TSC2). Identifiers: Orphanet 805, MedGen C1860707, MONDO:0013199, OMIM 613254.
Hereditary cancer-predisposing syndrome. Also called: Hereditary Cancer Syndrome; Tumor predisposition; Neoplastic Syndromes, Hereditary; Hereditary neoplastic syndrome. Identifiers: Orphanet 140162, MedGen C0027672, MeSH D009386, MONDO:0015356.
Tuberous sclerosis syndrome (TSC). Also called: Tuberous Sclerosis Complex; Tuberous sclerosis. Identifiers: Orphanet 805, MedGen C0041341, MONDO:0001734.
Subependymal giant-cell astrocytoma (SEGA). Identifiers: Orphanet 251618, MedGen C0205768, MONDO:0016693, HP:0009718.

Submissions 1 to 10 of 13:

GeneDx
Classification: Pathogenic. Last evaluated: 2025-07-11. Review status: criteria provided, single submitter. Criteria: GeneDx Variant Classification Process June 2021. Collection method: clinical testing. Allele origin: germline. Affected: yes.
Comment: Published functional studies demonstrate this position is critical to the chaperone function of the tuberin protein, and substitutions at this position disrupt tuberin-hamartin complex formation (PMID: 11741832, 15483652); Not observed at significant frequency in large population cohorts (gnomAD); In silico analysis supports that this missense variant has a deleterious effect on protein structure/function; This variant is associated with the following publications: (PMID: 15595939, 15483652, 22867869, 21309039, 27859028, 29655203, 30712878, 32211034, 32313033, 30787465, 34540963, 32917966, 35712104, 36307859, 36232477, 34489640, 8824881, 11741832)

Labcorp Genetics (formerly Invitae), Labcorp
Classification: Pathogenic for Tuberous sclerosis 2. Last evaluated: 2025-03-01. Review status: criteria provided, single submitter. Criteria: Invitae Variant Classification Sherloc (09022015). Collection method: clinical testing. Allele origin: germline.
Comment: This sequence change replaces arginine, which is basic and polar, with tryptophan, which is neutral and slightly polar, at codon 611 of the TSC2 protein (p.Arg611Trp). This variant is not present in population databases (gnomAD no frequency). This missense change has been observed in individual(s) with tuberous sclerosis (PMID: 8824881, 10205261, 10735580, 12111193, 15595939, 17304050, 22867869, 26540169). In at least one individual the variant was observed to be de novo. ClinVar contains an entry for this variant (Variation ID: 49643). Invitae Evidence Modeling of protein sequence and biophysical properties (such as structural, functional, and spatial information, amino acid conservation, physicochemical variation, residue mobility, and thermodynamic stability) has been performed for this missense variant. However, the output from this modeling did not meet the statistical confidence thresholds required to predict the impact of this variant on TSC2 protein function. Experimental studies have shown that this missense change affects TSC2 function (PMID: 11741832, 15483652, 15963462). This variant disrupts the p.Arg611 amino acid residue in TSC2. Other variant(s) that disrupt this residue have been determined to be pathogenic (PMID: 9463313, 10205261, 15595939, 17304050). This suggests that this residue is clinically significant, and that variants that disrupt this residue are likely to be disease-causing. For these reasons, this variant has been classified as Pathogenic.

Institute for Genomic Medicine (IGM) Clinical Laboratory, Nationwide Children's Hospital
Classification: Tier I - Strong for Subependymal giant-cell astrocytoma. Assertion type: diagnostic. Clinical significance: supports diagnosis. Last evaluated: 2024-11-15. Review status: criteria provided, single submitter. Criteria: AMP/ASCO/CAP Guidelines, 2017. Collection method: clinical testing. Allele origin: somatic. Affected: yes.
Comment: Variant has Tier I (strong) clinical significance as a diagnostic inclusion criterion in subependymal giant cell astrocytoma, based on the following evidence: 1) Documented in one or more cancer databases (e.g., St. Jude Pecan, COSMIC, CIViC, OncoKB). 2) Appears in one or more well-established professional guidelines (e.g., World Health Organization [WHO]; National Comprehensive Cancer Network [NCCN]) as providing diagnostic, prognostic, or therapeutic information. 3) Information in the literature supports potential biologic effect of variant (PMIDs: 11741832, 15483652, 15963462). 4) Diagnostic for a specific tumor type/classification according to professional guidelines (Evidence Level A; PMIDs: 29221145, 16237225, 9403714, 9007104, 33051600, 27625244).

Clinical Genomics Laboratory, Washington University in St. Louis
Classification: Pathogenic for Tuberous sclerosis 2. Last evaluated: 2024-10-14. Review status: criteria provided, single submitter. Criteria: Leon-Quintero et al. (Clin Genet. 2025). Collection method: clinical testing. Allele origin: somatic. Affected: yes.
Comment: A TSC2: c.1831C>T (p.Arg611Trp) missense variant was identified at an allelic fraction consistent with somatic origin. This variant has been reported in multiple individuals affected with tuberous sclerosis syndrome, isolated focal cortical dysplasia type II and lymphangiomyomatosis with germline origin (Togi S et al., PMID: 36232477; Wang X et al., PMID: 35712104; Reyna-Fabián ME et al. PMID: 32313033; Tyburczy ME et al., PMID: 26540169; Au KS et al., PMID: 17304050; Nellist M et al., PMID: 15483652). This variant has been reported in the ClinVar database as pathogenic by multiple submitters (ClinVar ID:49643) and has been reported in a somatic state in four cases in the cancer database COSMIC (Genomic mutation ID: COSV54770134). Other variants at the same codon, (p.Arg611Gln and p.Arg611Gly), have been reported in individuals with tuberous sclerosis 2 (Rosengren T et al., PMID: 32555378; Hoogeveen-Westerveld M et al., PMID: 21309039; Au KS et al., PMID: 17304050). The TSC2: c.1831C>T (p.Arg611Trp) variant is absent from the general population (gnomAD v.4.1.0), indicating it is not a common variant. Computational predictors indicate that the variant is damaging, evidence that correlates with impact to TSC2 function. In support of this prediction, functional studies demonstrate that this variant inhibits tuberin phosphorylation and prevents formation of the tuberin–hamartin complex in multiple in vitro studies (Nellist M et al., PMID:11741832; Nellist M et al., PMID: 15483652; Nellist M et al., PMID: 15963462). Based on available information and an internally developed protocol informed by the ACMG/AMP guidelines for variant interpretation and gene-specific practices from the ClinGen Criteria Specification Registry (Leon-Quintero FZ et al., PMID: 39434542), the TSC2: c.1831C>T (p.Arg611Trp) variant is classified as pathogenic.

Ambry Genetics
Classification: Pathogenic for Hereditary cancer-predisposing syndrome. Last evaluated: 2024-06-27. Review status: criteria provided, single submitter. Criteria: Ambry Variant Classification Scheme 2023. Collection method: clinical testing. Allele origin: germline.
Comment: The p.R611W pathogenic mutation (also known as c.1831C>T), located in coding exon 16 of the TSC2 gene, results from a C to T substitution at nucleotide position 1831. The arginine at codon 611 is replaced by tryptophan, an amino acid with dissimilar properties. This variant has been detected in multiple individuals meeting diagnostic criteria for tuberous sclerosis complex (TSC) (Wilson PJ, et al. Hum. Mol. Genet. 1996; 5(2):249-56; Choy YS, et al. Ann. Hum. Genet. 1999; 63(Pt 5):383-91; Langkau N, et al. Eur. J. Pediatr. 2002; 161(7):393-402; Ali M, et al. Acta Neurol. Scand. 2005; 111(1):54-63; Ambry internal data). In one functional study, authors showed that this variant inhibits tuberin-hamartin binding, tuberin chaperone function, S6 and S6K phosphorylation and the stimulation of rheb GTPase activity (Nellist M, et al. Eur. J. Hum. Genet. 2005; 13(1):59-68; Nellist M, et al. Hum. Mol. Genet. 2001). Based on the supporting evidence, this variant is interpreted as a disease-causing mutation.

Myriad Genetics, Inc.
Classification: Pathogenic for Tuberous sclerosis 2. Last evaluated: 2024-05-22. Review status: criteria provided, single submitter. Criteria: Myriad Autosomal Dominant, Autosomal Recessive and X-Linked Classification Criteria (2023). Collection method: clinical testing. Allele origin: unknown.
Comment: This variant is considered pathogenic. This variant has been reported in multiple individuals with clinical features of gene-specific disease [PMID: 35712104, 36232477, 10205261, 32313033, 32917966, 27859028]. Functional studies indicate this variant impacts protein function [PMID: 11741832, 15483652, 15963462]. This variant is expected to disrupt protein structure [Myriad internal data].

Genomic Medicine Center of Excellence, King Faisal Specialist Hospital and Research Centre
Classification: Pathogenic for Tuberous sclerosis 2. Last evaluated: 2024-04-04. Review status: criteria provided, single submitter. Criteria: ACMG Guidelines, 2015. Collection method: clinical testing. Allele origin: germline.

Blueprint Genetics
Classification: Pathogenic for TSC2-related disorders. Last evaluated: 2022-03-28. Review status: criteria provided, single submitter. Criteria: ACMG Guidelines, 2015. Collection method: clinical testing. Allele origin: germline. Affected: yes. Observed: 2 variant alleles.

Genome-Nilou Lab
Classification: Pathogenic for Tuberous sclerosis 2. Last evaluated: 2021-11-07. Review status: criteria provided, single submitter. Criteria: ACMG Guidelines, 2015. Collection method: clinical testing. Allele origin: germline. Affected: no.

CeGaT Center for Human Genetics Tuebingen
Classification: Pathogenic. Last evaluated: 2021-05-01. Review status: criteria provided, single submitter. Criteria: CeGaT Center For Human Genetics Tuebingen Variant Classification Criteria Version 2. Collection method: clinical testing. Allele origin: germline. Affected: yes. Observed: 1 variant allele.

NM_000548.5(TSC2):c.1831C>T (p.Arg611Trp)

Gene: TSC2 (TSC complex subunit 2; plus strand). Cytogenetic location: 16p13.3.
Variant type: single nucleotide variant.
Coding change: c.1831C>T on transcript NM_000548.5 (MANE Select); coding-DNA position 1831, C replaced by T.
Protein change: p.Arg611Trp; replaces arginine 611 with tryptophan.
Molecular consequence: missense variant.
Genome position (GRCh38, 1-based): chr16:2,070,570, C>T. VCF-style: chr16-2070570-C-T. GRCh37 (hg19) VCF-style: chr16-2120571-C-T.
Other names: p.R611W:CGG>TGG; c.1831C>T, p.Arg611Trp (NM_001077183.3, NM_001114382.3, NM_001363528.2 and 3 more transcripts); c.1720C>T, p.Arg574Trp (NM_001318827.2); c.1684C>T, p.Arg562Trp (NM_001318829.2); c.1231C>T, p.Arg411Trp (NM_001318831.2); c.1864C>T, p.Arg622Trp (NM_001318832.2); short protein forms R611W, R622W, R562W, R411W, R574W.
Identifiers: ClinVar variation 49643 (VCV000049643.63), dbSNP rs45469298, ClinGen allele CA015914.